The following is an entry in ClinVar:

NM_001242957.3(MAK):c.1546A>T (p.Lys516Ter)

Gene: MAK (male germ cell associated kinase; minus strand). Cytogenetic location: 6p24.2.
Variant type: single nucleotide variant.
Coding change: c.1546A>T on transcript NM_001242957.3 (MANE Select); coding-DNA position 1546, A replaced by T.
Protein change: p.Lys516Ter; replaces lysine 516 with a stop codon.
Molecular consequence: nonsense. On other transcripts: non-coding transcript variant (2).
Genome position (GRCh38, 1-based): chr6:10,775,379, T>A on the plus strand (A>T on the coding strand, the complement: MAK is on the minus strand). VCF-style: chr6-10775379-T-A. GRCh37 (hg19) VCF-style: chr6-10775612-T-A.
Other names: c.1546A>T, p.Lys516Ter (NM_001242385.2, NM_005906.6); c.1444A>T, p.Lys482Ter (NM_001377262.1); short protein forms K516*, K482*.
Identifiers: ClinVar variation 2695675 (VCV002695675.3), dbSNP rs2532285665, ClinGen allele CA362715675.

ClinVar aggregate classification (germline): Pathogenic (1 of 4 stars; one submission).

Submission:

Labcorp Genetics (formerly Invitae), Labcorp
Classification: Pathogenic. Last evaluated: 2023-11-14. Review status: criteria provided, single submitter. Criteria: Invitae Variant Classification Sherloc (09022015). Collection method: clinical testing. Allele origin: germline.
Comment: This sequence change creates a premature translational stop signal (p.Lys516*) in the MAK gene. It is expected to result in an absent or disrupted protein product. Loss-of-function variants in MAK are known to be pathogenic (PMID: 21148103, 21825139, 24938718, 29781741). This variant is not present in population databases (gnomAD no frequency). This variant has not been reported in the literature in individuals affected with MAK-related conditions. For these reasons, this variant has been classified as Pathogenic.

Literature cited by the submitters: PubMed 21148103; PubMed 21825139; PubMed 24938718; PubMed 29781741.